The following is an entry in ClinVar:

ClinVar aggregate classification (germline): Uncertain significance. Review status: criteria provided, multiple submitters, no conflicts (2 of 4 stars). 3 submissions from 3 submitters: Uncertain significance (3). Last evaluated 2026-01-04.

Conditions:
Naxos disease (NXD). Also called: MAL DE NAXOS; PALMOPLANTAR KERATODERMA WITH ARRHYTHMOGENIC RIGHT VENTRICULAR CARDIOMYOPATHY AND WOOLLY HAIR; WOOLLY HAIR, PALMOPLANTAR KERATODERMA, AND CARDIAC ABNORMALITIES; CARDIOMYOPATHY, ARRHYTHMOGENIC RIGHT VENTRICULAR, WITH SKIN, HAIR, AND NAIL ABNORMALITIES; KERATOSIS PALMOPLANTARIS WITH ARRHYTHMOGENIC CARDIOMYOPATHY. Identifiers: Orphanet 34217, MedGen C1832600, MONDO:0011017, OMIM 601214.
Arrhythmogenic right ventricular dysplasia 12. Also called: ARRHYTHMOGENIC RIGHT VENTRICULAR DYSPLASIA, FAMILIAL, 12. Identifiers: MedGen C1969081, MONDO:0012684, OMIM 611528.
Cardiovascular phenotype. Identifiers: MedGen CN230736.

Allele frequency attached by ClinVar (database versions not stated): TOPMed 0.00001.
gnomAD v4.1: 17 of 1,612,072 alleles (0.0011%); highest among the groups gnomAD compares: South Asian, 0.0033%; no homozygotes.

Submissions (3):

Labcorp Genetics (formerly Invitae), Labcorp
Classification: Uncertain significance for Arrhythmogenic right ventricular dysplasia 12; Naxos disease. Last evaluated: 2026-01-04. Review status: criteria provided, single submitter. Criteria: Invitae Variant Classification Sherloc (09022015). Collection method: clinical testing. Allele origin: germline.
Comment: This sequence change replaces valine, which is neutral and non-polar, with methionine, which is neutral and non-polar, at codon 603 of the JUP protein (p.Val603Met). This variant is present in population databases (rs200327969, gnomAD 0.007%). This variant has not been reported in the literature in individuals affected with JUP-related conditions. ClinVar contains an entry for this variant (Variation ID: 931013). An algorithm developed to predict the effect of missense changes on protein structure and function (PolyPhen-2) suggests that this variant is likely to be disruptive. In summary, the available evidence is currently insufficient to determine the role of this variant in disease. Therefore, it has been classified as a Variant of Uncertain Significance.

Molecular Diagnostic Laboratory for Inherited Cardiovascular Disease, Montreal Heart Institute
Classification: Uncertain significance for Cardiovascular phenotype. Last evaluated: 2025-04-09. Review status: criteria provided, single submitter. Criteria: ACMG Guidelines, 2015. Collection method: clinical testing. Allele origin: germline. Affected: yes.

Centre for Mendelian Genomics, University Medical Centre Ljubljana
Classification: Uncertain significance for Naxos disease. Last evaluated: 2016-01-01. Review status: criteria provided, single submitter. Criteria: ACMG Guidelines, 2015. Collection method: clinical testing. Allele origin: unknown. Affected: yes.
Comment: This variant was classified as: Uncertain significance. The following ACMG criteria were applied in classifying this variant: PP3.

NM_002230.4(JUP):c.1807G>A (p.Val603Met)

Gene: JUP (junction plakoglobin; minus strand). Cytogenetic location: 17q21.2.
Variant type: single nucleotide variant.
Coding change: c.1807G>A on transcript NM_002230.4 (MANE Select); coding-DNA position 1807, G replaced by A.
Protein change: p.Val603Met; replaces valine 603 with methionine.
Molecular consequence: missense variant.
Genome position (GRCh38, 1-based): chr17:41,757,751, C>T on the plus strand (G>A on the coding strand, the complement: JUP is on the minus strand). VCF-style: chr17-41757751-C-T. GRCh37 (hg19) VCF-style: chr17-39914003-C-T.
Other names: c.1807G>A, p.Val603Met (NM_001352773.2, NM_001352774.2, NM_001352775.2 and 3 more transcripts); c.1807G>A (NM_002230.3); short protein forms V603M.
Identifiers: ClinVar variation 931013 (VCV000931013.8), dbSNP rs200327969, ClinGen allele CA8565105.